The following is an entry in ClinVar:

ClinVar aggregate classification (germline): Uncertain significance (1 of 4 stars; one submission).

Conditions:
ISL1-related disorder. Also called: ISL1-related condition.

Allele frequency attached by ClinVar (database versions not stated): gnomAD 0.00005; TOPMed 0.00008; ExAC 0.00009; gnomAD exomes 0.00011.
gnomAD v4.1: 180 of 1,614,084 alleles (0.011%); highest among the groups gnomAD compares: Middle Eastern, 0.23%; no homozygotes.

Submission:

PreventionGenetics, part of Exact Sciences
Classification: Uncertain significance for ISL1-related condition. Last evaluated: 2026-08-06. Review status: criteria provided, single submitter. Criteria: ACMG Guidelines, 2015. Collection method: clinical testing. Allele origin: germline.
Comment: The ISL1 c.907A>C variant is predicted to result in the amino acid substitution p.Ile303Leu. To our knowledge, this variant has not been reported in the literature. This variant is reported in 0.016% of alleles in individuals of European (Non-Finnish) descent in gnomAD. At this time, the clinical significance of this variant is uncertain due to the absence of conclusive functional and genetic evidence.

NM_002202.3(ISL1):c.907A>C (p.Ile303Leu)

Gene: ISL1 (ISL LIM homeobox 1; plus strand). Cytogenetic location: 5q11.1.
Variant type: single nucleotide variant.
Coding change: c.907A>C on transcript NM_002202.3 (MANE Select); coding-DNA position 907, A replaced by C.
Protein change: p.Ile303Leu; replaces isoleucine 303 with leucine.
Molecular consequence: missense variant.
Genome position (GRCh38, 1-based): chr5:51,391,415, A>C. VCF-style: chr5-51391415-A-C. GRCh37 (hg19) VCF-style: chr5-50687249-A-C.
Other names: short protein forms I303L.
Identifiers: ClinVar variation 2634079 (VCV002634079.2), dbSNP rs758563961, ClinGen allele CA3261101.